The following is an entry in ClinVar:

NM_001845.6(COL4A1):c.2333A>G (p.Gln778Arg)

Gene: COL4A1 (collagen type IV alpha 1 chain; minus strand). Cytogenetic location: 13q34.
Variant type: single nucleotide variant.
Coding change: c.2333A>G on transcript NM_001845.6 (MANE Select); coding-DNA position 2333, A replaced by G.
Protein change: p.Gln778Arg; replaces glutamine 778 with arginine.
Molecular consequence: missense variant.
Genome position (GRCh38, 1-based): chr13:110,179,282, T>C on the plus strand (A>G on the coding strand, the complement: COL4A1 is on the minus strand). VCF-style: chr13-110179282-T-C. GRCh37 (hg19) VCF-style: chr13-110831629-T-C.
Other names: short protein forms Q778R.
Identifiers: ClinVar variation 882177 (VCV000882177.19), dbSNP rs750620293, ClinGen allele CA7047638.

ClinVar aggregate classification (germline): Conflicting classifications of pathogenicity. Review status: criteria provided, conflicting classifications (1 of 4 stars). 7 submissions from 6 submitters: Uncertain significance (5); Benign (2). Last evaluated 2025-10-10.

Conditions:
Inborn genetic diseases. Identifiers: MedGen C0950123, MeSH D030342.
Brain small vessel disease 1 with or without ocular anomalies (BSVD1). Also called: BRAIN SMALL VESSEL DISEASE WITH HEMORRHAGE; PORENCEPHALY, TYPE 1, AUTOSOMAL DOMINANT; GOULD SYNDROME 1; Brain small vessel disease with or without ocular anomalies. Identifiers: OMIM 175780, Orphanet 2940, Orphanet 36383, Orphanet 99810, MedGen C4755307, MONDO:0008289.
Autosomal dominant familial hematuria-retinal arteriolar tortuosity-contractures syndrome. Also called: Angiopathy, hereditary, with nephropathy, aneurysms, and muscle cramps; Hereditary Angiopathy with Nephropathy, Aneurysms, and Muscle Cramps (HANAC) Syndrome. Identifiers: Orphanet 73229, MedGen C2673195, MONDO:0012726, OMIM 611773.

Allele frequency attached by ClinVar (database versions not stated): gnomAD exomes 0.00003 and 0.00002; TOPMed 0.00003; ExAC 0.00003; gnomAD 0.00003.
gnomAD v4.1: 46 of 1,613,992 alleles (0.0029%); highest among the groups gnomAD compares: Non-Finnish European, 0.0036%; no homozygotes.

Submissions (7):

Labcorp Genetics (formerly Invitae), Labcorp
Classification: Uncertain significance. Last evaluated: 2025-10-10. Review status: criteria provided, single submitter. Criteria: Invitae Variant Classification Sherloc (09022015). Collection method: clinical testing. Allele origin: germline.
Comment: This sequence change replaces glutamine, which is neutral and polar, with arginine, which is basic and polar, at codon 778 of the COL4A1 protein (p.Gln778Arg). This variant is present in population databases (rs750620293, gnomAD 0.004%). This variant has not been reported in the literature in individuals affected with COL4A1-related conditions. ClinVar contains an entry for this variant (Variation ID: 882177). Invitae Evidence Modeling of protein sequence and biophysical properties (such as structural, functional, and spatial information, amino acid conservation, physicochemical variation, residue mobility, and thermodynamic stability) indicates that this missense variant is not expected to disrupt COL4A1 protein function with a negative predictive value of 95%. In summary, the available evidence is currently insufficient to determine the role of this variant in disease. Therefore, it has been classified as a Variant of Uncertain Significance.

Ambry Genetics
Classification: Uncertain significance for Inborn genetic diseases. Last evaluated: 2025-09-01. Review status: criteria provided, single submitter. Criteria: Ambry Variant Classification Scheme 2023. Collection method: clinical testing. Allele origin: germline.

Blueprint Genetics
Classification: Uncertain significance. Last evaluated: 2024-10-18. Review status: criteria provided, single submitter. Criteria: ACMG Guidelines, 2015. Collection method: clinical testing. Allele origin: germline.

Revvity Omics, Revvity
Classification: Uncertain significance. Last evaluated: 2023-10-23. Review status: criteria provided, single submitter. Criteria: ACMG Guidelines, 2015. Collection method: clinical testing. Allele origin: germline.

Institute for Clinical Genetics, University Hospital TU Dresden, University Hospital TU Dresden
Classification: Uncertain significance. Last evaluated: 2021-11-03. Review status: criteria provided, single submitter. Criteria: ACMG Guidelines, 2015. Collection method: clinical testing. Allele origin: germline.

Illumina Laboratory Services, Illumina
Classification: Benign for Autosomal dominant familial hematuria-retinal arteriolar tortuosity-contractures syndrome. Last evaluated: 2018-01-12. Review status: criteria provided, single submitter. Criteria: ICSL Variant Classification Criteria 13 December 2019. Collection method: clinical testing. Allele origin: germline.
Comment: This variant was observed in the ICSL laboratory as part of a predisposition screen in an ostensibly healthy population. It had not been previously curated by ICSL or reported in the Human Gene Mutation Database (HGMD: prior to June 1st, 2018), and was therefore a candidate for classification through an automated scoring system. Utilizing variant allele frequency, disease prevalence and penetrance estimates, and inheritance mode, an automated score was calculated to assess if this variant is too frequent to cause the disease. Based on the score and internal cut-off values, a variant classified as benign is not then subjected to further curation. The score for this variant resulted in a classification of benign for this disease.

Illumina Laboratory Services, Illumina
Classification: Benign for Brain small vessel disease 1 with or without ocular anomalies. Last evaluated: 2018-01-12. Review status: criteria provided, single submitter. Criteria: ICSL Variant Classification Criteria 13 December 2019. Collection method: clinical testing. Allele origin: germline.
Comment: the same text as in the submission from Illumina Laboratory Services, Illumina above.